The following is an entry in ClinVar:

NM_001382567.1(STIM1):c.1594C>A (p.Gln532Lys)

Gene: STIM1 (stromal interaction molecule 1; plus strand). Cytogenetic location: 11p15.4.
Variant type: single nucleotide variant.
Coding change: c.1594C>A on transcript NM_001382567.1 (MANE Select); coding-DNA position 1594, C replaced by A.
Protein change: p.Gln532Lys; replaces glutamine 532 with lysine.
Molecular consequence: missense variant. On other transcripts: non-coding transcript variant (3).
Genome position (GRCh38, 1-based): chr11:4,086,503, C>A. VCF-style: chr11-4086503-C-A. GRCh37 (hg19) VCF-style: chr11-4107733-C-A.
Other names: c.1501C>A, p.Gln501Lys (NM_001277961.3, NM_001277962.2, NM_003156.4); c.1279C>A, p.Gln427Lys (NM_001382566.1, NM_001382575.1, NM_001382576.1 and 3 more transcripts); c.1522C>A, p.Gln508Lys (NM_001382568.1); c.1366C>A, p.Gln456Lys (NM_001382569.1); c.1273C>A, p.Gln425Lys (NM_001382570.1); c.1021C>A, p.Gln341Lys (NM_001382571.1); c.1012C>A, p.Gln338Lys (NM_001382580.1, NM_001382581.1); short protein forms Q501K, Q338K, Q341K, Q425K, Q427K, Q456K, Q508K, Q532K.
Identifiers: ClinVar variation 857902 (VCV000857902.9), dbSNP rs753214223, ClinGen allele CA379194862.

ClinVar aggregate classification (germline): Uncertain significance. Review status: criteria provided, multiple submitters, no conflicts (2 of 4 stars). 2 submissions from 2 submitters: Uncertain significance (2). Last evaluated 2026-01-11.

Conditions:
Myopathy, tubular aggregate, 1 (TAM1). Identifiers: MedGen C4011726, MONDO:0024531, OMIM 160565.
Combined immunodeficiency due to STIM1 deficiency. Also called: STIM1 DEFICIENCY; IMMUNODEFICIENCY 10. Identifiers: Orphanet 169090, Orphanet 317430, MedGen C2748557, MONDO:0013008, OMIM 612783.
Stormorken syndrome (STRMK). Also called: THROMBOCYTOPATHY, ASPLENIA, AND MIOSIS. Identifiers: Orphanet 3204, MedGen C1861451, MONDO:0008497, OMIM 185070.
Myopathy with tubular aggregates (TAM). Also called: Tubular Aggregate Myopathy. Identifiers: Orphanet 2593, MedGen C0410207, MONDO:0008051.

Allele frequency attached by ClinVar (database versions not stated): TOPMed 0.00001.
gnomAD v4.1: 22 of 1,614,156 alleles (0.0014%); highest among the groups gnomAD compares: Non-Finnish European, 0.0019%; no homozygotes.

Submissions (2):

Labcorp Genetics (formerly Invitae), Labcorp
Classification: Uncertain significance for Myopathy with tubular aggregates; Combined immunodeficiency due to STIM1 deficiency; Stormorken syndrome. Last evaluated: 2026-01-11. Review status: criteria provided, single submitter. Criteria: Invitae Variant Classification Sherloc (09022015). Collection method: clinical testing. Allele origin: germline.
Comment: This sequence change replaces glutamine, which is neutral and polar, with lysine, which is basic and polar, at codon 501 of the STIM1 protein (p.Gln501Lys). This variant is not present in population databases (gnomAD no frequency). This variant has not been reported in the literature in individuals affected with STIM1-related conditions. ClinVar contains an entry for this variant (Variation ID: 857902). Invitae Evidence Modeling of protein sequence and biophysical properties (such as structural, functional, and spatial information, amino acid conservation, physicochemical variation, residue mobility, and thermodynamic stability) has been performed for this missense variant. However, the output from this modeling did not meet the statistical confidence thresholds required to predict the impact of this variant on STIM1 protein function. In summary, the available evidence is currently insufficient to determine the role of this variant in disease. Therefore, it has been classified as a Variant of Uncertain Significance.

Fulgent Genetics
Classification: Uncertain significance for Myopathy, tubular aggregate, 1; Stormorken syndrome; Combined immunodeficiency due to STIM1 deficiency. Last evaluated: 2021-09-17. Review status: criteria provided, single submitter. Criteria: ACMG Guidelines, 2015. Collection method: clinical testing. Allele origin: unknown.